The following is an entry in ClinVar:

NM_001371727.1(GABRB2):c.805G>A (p.Asp269Asn)

Gene: GABRB2 (gamma-aminobutyric acid type A receptor subunit beta2; minus strand). Cytogenetic location: 5q34.
Variant type: single nucleotide variant.
Coding change: c.805G>A on transcript NM_001371727.1 (MANE Select); coding-DNA position 805, G replaced by A.
Protein change: p.Asp269Asn; replaces aspartic acid 269 with asparagine.
Molecular consequence: missense variant.
Genome position (GRCh38, 1-based): chr5:161,334,779, C>T on the plus strand (G>A on the coding strand, the complement: GABRB2 is on the minus strand). VCF-style: chr5-161334779-C-T. GRCh37 (hg19) VCF-style: chr5-160761786-C-T.
Other names: c.805G>A, p.Asp269Asn (NM_000813.3, NM_021911.3); short protein forms D269N.
Identifiers: ClinVar variation 3341346 (VCV003341346.1).

ClinVar aggregate classification (germline): Uncertain significance (1 of 4 stars; one submission).

Conditions:
Developmental and epileptic encephalopathy 92. Also called: EPILEPTIC ENCEPHALOPATHY, INFANTILE OR EARLY CHILDHOOD, 2. Identifiers: MedGen C4693362, MONDO:0020631, OMIM 617829.

gnomAD v4.1: 2 of 1,613,772 alleles (0.00012%); highest among the groups gnomAD compares: African/African-American, 0.0013%; no homozygotes.

Submission:

Neuberg Centre For Genomic Medicine, NCGM
Classification: Uncertain significance for Developmental and epileptic encephalopathy 92. Last evaluated: 2023-05-20. Review status: criteria provided, single submitter. Criteria: ACMG Guidelines, 2015. Collection method: clinical testing. Allele origin: germline. Inheritance: Autosomal dominant inheritance. Affected: yes.
Comment: The observed missense c.805G>A(p.Asp269Asn) variant in GABRB2 gene has not been reported previously as a pathogenic variant nor as a benign variant, to our knowledge. This variant is reported with the allele frequency of 0.0008% in the gnomAD Exomes. The amino acid Asp at position 269 is changed to a Asn changing protein sequence and it might alter its composition and physico-chemical properties. The amino acid change p.Asp269Asn in GABRB2 is predicted as conserved by GERP++ and PhyloP across 100 vertebrates. Multiple lines of computational evidence (Polyphen - Damaging, SIFT - Damaging, and MutationTaster - Disease causing) predict a damaging effect on protein structure and function for this variant. For these reasons, this variant has been classified as Uncertain Significance.